The following is an entry in ClinVar:

NM_001009944.3(PKD1):c.10690C>T (p.Leu3564Phe)

Genes: PKD1 (polycystin 1, transient receptor potential channel interacting; minus strand), PKD1-AS1 (PKD1 antisense RNA 1; plus strand). Cytogenetic location: 16p13.3.
Variant type: single nucleotide variant.
Coding change: c.10690C>T on transcript NM_001009944.3 (MANE Select); coding-DNA position 10690, C replaced by T.
Protein change: p.Leu3564Phe; replaces leucine 3564 with phenylalanine.
Molecular consequence: missense variant.
Genome position (GRCh38, 1-based): chr16:2,093,942, G>A on the plus strand (C>T on the coding strand, the complement: PKD1 is on the minus strand). VCF-style: chr16-2093942-G-A. GRCh37 (hg19) VCF-style: chr16-2143943-G-A.
Other names: c.10687C>T, p.Leu3563Phe (NM_000296.4); c.10687C>T (NM_000296.3); short protein forms L3563F, L3564F.
Identifiers: ClinVar variation 3029190 (VCV003029190.3), dbSNP rs138571055, ClinGen allele CA276768672.

ClinVar aggregate classification (germline): Uncertain significance. Review status: criteria provided, single submitter (1 of 4 stars). 2 submissions from 2 submitters: Uncertain significance (1). 1 of the submissions does not count toward it. Last evaluated 2024-05-10.

Conditions:
Inborn genetic diseases. Identifiers: MedGen C0950123, MeSH D030342.
PKD1-related disorder. Also called: PKD1-related condition.

Allele frequency attached by ClinVar (database versions not stated): gnomAD 0.00001; TOPMed 0.00002; ESP Exome Variant Server 0.00008.
gnomAD v4.1: 21 of 1,586,096 alleles (0.0013%); highest among the groups gnomAD compares: Non-Finnish European, 0.0017%; no homozygotes.

Submissions (2):

Ambry Genetics
Classification: Uncertain significance for Inborn genetic diseases. Last evaluated: 2024-05-10. Review status: criteria provided, single submitter. Criteria: Ambry Variant Classification Scheme 2023. Collection method: clinical testing. Allele origin: germline.

PreventionGenetics, part of Exact Sciences
Classification: Uncertain significance for PKD1-related condition. Last evaluated: 2024-01-10. Review status: no assertion criteria provided. Collection method: clinical testing. Allele origin: germline. Not counted in ClinVar's aggregate classification.
Comment: The PKD1 c.10690C>T variant is predicted to result in the amino acid substitution p.Leu3564Phe. To our knowledge, this variant has not been reported in the literature. This variant is reported in 0.0066% of alleles in individuals of European (Non-Finnish) descent in gnomAD. At this time, the clinical significance of this variant is uncertain due to the absence of conclusive functional and genetic evidence.